The following is an entry in ClinVar:

ClinVar aggregate classification (germline): Likely pathogenic (1 of 4 stars; one submission).

Conditions:
Muscular dystrophy-dystroglycanopathy (congenital with brain and eye anomalies), type A3. Also called: Muscular dystrophy-dystroglycanopathy (congenital with brain and eye anomalies), type A, 3; Congenital muscular dystrophy-dystroglycanopathy with brain and eye anomalies, type A3; WALKER-WARBURG SYNDROME OR MUSCLE-EYE-BRAIN DISEASE, POMGNT1-RELATED. Identifiers: MedGen C3151519, MONDO:0009667, OMIM 253280.

Submission:

Myriad Genetics, Inc.
Classification: Likely pathogenic for Muscular dystrophy-dystroglycanopathy (congenital with brain and eye anomalies), type A3. Last evaluated: 2022-02-17. Review status: criteria provided, single submitter. Criteria: Myriad Women's Health Autosomal Recessive and X-Linked Classification Criteria (2021). Collection method: clinical testing. Allele origin: unknown.
Comment: NM_017739.3(POMGNT1):c.580_581delAG(R194Efs*33) is expected to be pathogenic in the context of POMGNT-related disorders. This variant is predicted to lead to an abnormal or absent protein product due to the creation of a premature termination codon in POMGNT1, a gene where loss-of-function variants are known to be pathogenic. Please note: this variant was assessed in the context of healthy population screening.

NM_017739.4(POMGNT1):c.580_581del (p.Arg194fs)

Genes: POMGNT1 (protein O-linked mannose N-acetylglucosaminyltransferase 1 (beta 1,2-); minus strand), TSPAN1 (tetraspanin 1; plus strand). Cytogenetic location: 1p34.1.
Variant type: Deletion.
Coding change: c.580_581del on transcript NM_017739.4 (MANE Select); coding-DNA positions 580 to 581, 2 bases deleted (AG; older notation c.580_581delAG).
Protein change: p.Arg194fs; shifts the reading frame from arginine 194.
Molecular consequence: frameshift variant.
Genome position (GRCh38, 1-based): chr1:46,194,915-46,194,916, CT deleted on the plus strand (AG on the coding strand, the reverse complement: POMGNT1 is on the minus strand); deleting any 2 consecutive bases within chr1:46,194,915-46,194,917 gives the same sequence; the c. name uses the placement nearest the transcript's 3' end. VCF-style (leftmost placement, unchanged base first): chr1-46194914-CCT-C. GRCh37 (hg19) VCF-style: chr1-46660586-CCT-C.
Other names: c.580_581del, p.Arg194fs (NM_001243766.2, NM_001410783.1); c.513_514delGA, p.Arg172Glufs (NM_001290129.3); c.151_152del, p.Arg51fs (NM_001290130.2); short protein forms R172fs, R194fs, R51fs.
Identifiers: ClinVar variation 1724476 (VCV001724476.2), dbSNP rs2525437182, ClinGen allele CA2580062984.